The following is an entry in ClinVar:

NM_001142800.2(EYS):c.1945T>A (p.Ser649Thr)

Gene: EYS (EGF-like photoreceptor maintenance factor; minus strand). Cytogenetic location: 6q12.
Variant type: single nucleotide variant.
Coding change: c.1945T>A on transcript NM_001142800.2 (MANE Select); coding-DNA position 1945, T replaced by A.
Protein change: p.Ser649Thr; replaces serine 649 with threonine.
Molecular consequence: missense variant.
Genome position (GRCh38, 1-based): chr6:65,295,941, A>T on the plus strand (T>A on the coding strand, the complement: EYS is on the minus strand). VCF-style: chr6-65295941-A-T. GRCh37 (hg19) VCF-style: chr6-66005834-A-T.
Other names: c.1945T>A (NM_001142800.1); c.1945T>A, p.Ser649Thr (NM_001292009.2); short protein forms S649T.
Identifiers: ClinVar variation 3705672 (VCV003705672.3).

ClinVar aggregate classification (germline): Uncertain significance. Review status: criteria provided, multiple submitters, no conflicts (2 of 4 stars). 2 submissions from 2 submitters: Uncertain significance (2). Last evaluated 2025-06-18.

Conditions:
Inborn genetic diseases. Identifiers: MedGen C0950123, MeSH D030342.

gnomAD v4.1: 3 of 1,550,990 alleles (0.00019%); highest among the groups gnomAD compares: Middle Eastern, 0.017%; no homozygotes.

Submissions (2):

Ambry Genetics
Classification: Uncertain significance for Inborn genetic diseases. Last evaluated: 2025-06-18. Review status: criteria provided, single submitter. Criteria: Ambry Variant Classification Scheme 2023. Collection method: clinical testing. Allele origin: germline.

Labcorp Genetics (formerly Invitae), Labcorp
Classification: Uncertain significance. Last evaluated: 2024-04-30. Review status: criteria provided, single submitter. Criteria: Invitae Variant Classification Sherloc (09022015). Collection method: clinical testing. Allele origin: germline.
Comment: This sequence change replaces serine, which is neutral and polar, with threonine, which is neutral and polar, at codon 649 of the EYS protein (p.Ser649Thr). This variant is not present in population databases (gnomAD no frequency). This variant has not been reported in the literature in individuals affected with EYS-related conditions. Algorithms developed to predict the effect of missense changes on protein structure and function output the following: SIFT: "Not Available"; PolyPhen-2: "Benign"; Align-GVGD: "Not Available". The threonine amino acid residue is found in multiple mammalian species, which suggests that this missense change does not adversely affect protein function. In summary, the available evidence is currently insufficient to determine the role of this variant in disease. Therefore, it has been classified as a Variant of Uncertain Significance.